The following is an entry in ClinVar:

NM_003620.4(PPM1D):c.1337C>G (p.Ser446Ter)

Gene: PPM1D (protein phosphatase, Mg2+/Mn2+ dependent 1D; plus strand). Cytogenetic location: 17q23.2.
Variant type: single nucleotide variant.
Coding change: c.1337C>G on transcript NM_003620.4 (MANE Select); coding-DNA position 1337, C replaced by G.
Protein change: p.Ser446Ter; replaces serine 446 with a stop codon.
Molecular consequence: nonsense.
Genome position (GRCh38, 1-based): chr17:60,663,071, C>G. VCF-style: chr17-60663071-C-G. GRCh37 (hg19) VCF-style: chr17-58740432-C-G.
Other names: short protein forms S446*.
Identifiers: ClinVar variation 2039770 (VCV002039770.6), dbSNP rs775750934, ClinGen allele CA8687759.

ClinVar aggregate classification (germline): Conflicting classifications of pathogenicity. Review status: criteria provided, conflicting classifications (1 of 4 stars). 3 submissions from 3 submitters: Pathogenic (1); Uncertain significance (1). 1 of the submissions does not count toward it. Last evaluated 2025-10-09.

Conditions:
PPM1D-related disorder. Also called: PPM1D-related condition.

Allele frequency attached by ClinVar (database versions not stated): ExAC 0.00002.
gnomAD v4.1: 4 of 1,614,016 alleles (0.00025%); highest among the groups gnomAD compares: Non-Finnish European, 0.00034%; no homozygotes.

Submissions (3):

Labcorp Genetics (formerly Invitae), Labcorp
Classification: Uncertain significance. Last evaluated: 2025-10-09. Review status: criteria provided, single submitter. Criteria: Invitae Variant Classification Sherloc (09022015). Collection method: clinical testing. Allele origin: germline.
Comment: This sequence change creates a premature translational stop signal (p.Ser446*) in the PPM1D gene. While this is not anticipated to result in nonsense mediated decay, it is expected to disrupt the last 160 amino acid(s) of the PPM1D protein. This variant is present in population databases (rs775750934, gnomAD 0.0009%). This variant has not been reported in the literature in individuals affected with PPM1D-related conditions. ClinVar contains an entry for this variant (Variation ID: 2039770). Experimental studies and prediction algorithms are not available or were not evaluated, and the functional significance of this variant is currently unknown. In summary, the available evidence is currently insufficient to determine the role of this variant in disease. Therefore, it has been classified as a Variant of Uncertain Significance.

GeneDx
Classification: Pathogenic. Last evaluated: 2025-05-14. Review status: criteria provided, single submitter. Criteria: GeneDx Variant Classification Process June 2021. Collection method: clinical testing. Allele origin: germline. Affected: yes.
Comment: Identified as mosaic in an individual with a personal history of ovarian cancer (PMID: 23242139); Nonsense variant predicted to result in protein truncation, as the last 160 amino acids are lost, and other loss-of-function variants have been reported downstream in HGMD; This variant is associated with the following publications: (PMID: 23242139, 24931631)

PreventionGenetics, part of Exact Sciences
Classification: Uncertain significance for PPM1D-related condition. Last evaluated: 2024-05-10. Review status: no assertion criteria provided. Collection method: clinical testing. Allele origin: germline. Not counted in ClinVar's aggregate classification.
Comment: The PPM1D c.1337C>G variant is predicted to result in premature protein termination (p.Ser446*). This variant was reported in the mosaic state in an individual with ovarian cancer (Ruark et al 2013. PubMed ID: 23242139). This variant is reported in 0.00088% of alleles in individuals of European (Non-Finnish) descent in gnomAD. This variant resides in the final exon of this gene, and it is unclear if the resulting mRNA would undergo nonsense-mediated decay. Although we suspect that this variant may be pathogenic, at this time, the clinical significance of this variant is uncertain due to the absence of conclusive functional and genetic evidence.